The following is an entry in ClinVar:

ClinVar aggregate classification (germline): Uncertain significance. Review status: criteria provided, multiple submitters, no conflicts (2 of 4 stars). 2 submissions from 2 submitters: Uncertain significance (2). Last evaluated 2023-07-07.

Conditions:
Hereditary cancer-predisposing syndrome. Also called: Hereditary neoplastic syndrome; Hereditary Cancer Syndrome; Tumor predisposition; Neoplastic Syndromes, Hereditary. Identifiers: Orphanet 140162, MedGen C0027672, MeSH D009386, MONDO:0015356.

Allele frequency attached by ClinVar (database versions not stated): gnomAD exomes below 0.00001.
gnomAD v4.1: 1 of 1,567,206 alleles (0.000064%); highest among the groups gnomAD compares: South Asian, 0.0011%; no homozygotes.

Submissions (2):

Quest Diagnostics Nichols Institute San Juan Capistrano
Classification: Uncertain significance. Last evaluated: 2023-07-07. Review status: criteria provided, single submitter. Criteria: Quest Diagnostics criteria. Collection method: clinical testing. Allele origin: unknown.
Comment: To the best of our knowledge, this variant has not been reported in the published literature. It also has not been reported in large, multi-ethnic general populations (Genome Aggregation Database). Analysis of this variant using software algorithms for the prediction of the effect of nucleotide changes on splicing yielded predictions that this variant does not affect BRCA2 mRNA splicing . Based on the available information, we are unable to determine the clinical significance of this variant.

Color Diagnostics, LLC DBA Color Health
Classification: Uncertain significance for Hereditary cancer-predisposing syndrome. Last evaluated: 2020-08-24. Review status: criteria provided, single submitter. Criteria: ACMG Guidelines, 2015. Collection method: clinical testing. Allele origin: germline.
Comment: This variant causes an A to G nucleotide substitution at the +6 position of intron 7 of the BRCA2 gene. To our knowledge, functional studies have not been reported for this variant. This variant has not been reported in individuals affected with hereditary cancer in the literature. This variant has not been identified in the general population by the Genome Aggregation Database (gnomAD). The available evidence is insufficient to determine the role of this variant in disease conclusively. Therefore, this variant is classified as a Variant of Uncertain Significance.

NM_000059.4(BRCA2):c.631+6A>G

Gene: BRCA2 (BRCA2 DNA repair associated; plus strand). Cytogenetic location: 13q13.1.
Variant type: single nucleotide variant.
Coding change: c.631+6A>G on transcript NM_000059.4 (MANE Select); 6 bases into the intron after coding-DNA position 631, A replaced by G.
Molecular consequence: intron variant.
Genome position (GRCh38, 1-based): chr13:32,326,619, A>G. VCF-style: chr13-32326619-A-G. GRCh37 (hg19) VCF-style: chr13-32900756-A-G.
Identifiers: ClinVar variation 438995 (VCV000438995.4), dbSNP rs1555281108, ClinGen allele CA645509358.